The following is an entry in ClinVar:

ClinVar aggregate classification (germline): Likely benign (1 of 4 stars; one submission).

Submission:

GeneDx
Classification: Likely benign. Last evaluated: 2017-08-23. Review status: criteria provided, single submitter. Criteria: GeneDx Variant Classification (06012015). Collection method: clinical testing. Allele origin: germline. Affected: yes.
Comment: This variant is considered likely benign or benign based on one or more of the following criteria: it is a conservative change, it occurs at a poorly conserved position in the protein, it is predicted to be benign by multiple in silico algorithms, and/or has population frequency not consistent with disease.

NM_000138.5(FBN1):c.7453+19T>C

Gene: FBN1 (fibrillin 1; minus strand). Cytogenetic location: 15q21.1.
Variant type: single nucleotide variant.
Coding change: c.7453+19T>C on transcript NM_000138.5 (MANE Select); 19 bases into the intron after coding-DNA position 7453, T replaced by C.
Molecular consequence: intron variant.
Genome position (GRCh38, 1-based): chr15:48,425,350, A>G on the plus strand (T>C on the coding strand, the complement: FBN1 is on the minus strand). VCF-style: chr15-48425350-A-G. GRCh37 (hg19) VCF-style: chr15-48717547-A-G.
Identifiers: ClinVar variation 511603 (VCV000511603.1), dbSNP rs1555394389, ClinGen allele CA658798043.